The following is an entry in ClinVar:

NM_170601.5(SIAE):c.647C>T (p.Ser216Phe)

Gene: SIAE (sialic acid acetylesterase; minus strand). Cytogenetic location: 11q24.2.
Variant type: single nucleotide variant.
Coding change: c.647C>T on transcript NM_170601.5 (MANE Select); coding-DNA position 647, C replaced by T.
Protein change: p.Ser216Phe; replaces serine 216 with phenylalanine.
Molecular consequence: missense variant.
Genome position (GRCh38, 1-based): chr11:124,649,694, G>A on the plus strand (C>T on the coding strand, the complement: SIAE is on the minus strand). VCF-style: chr11-124649694-G-A. GRCh37 (hg19) VCF-style: chr11-124519590-G-A.
Other names: c.647C>T (NM_170601.4); c.542C>T, p.Ser181Phe (NM_001199922.2); short protein forms S181F, S216F.
Identifiers: ClinVar variation 2414414 (VCV002414414.7), dbSNP rs751105523, ClinGen allele CA6341451.
Genomic context (GRCh38, chr11:124,649,694, plus strand): 5'-CCACAGGCTTTCAGTGACCGTCCAGATGACCAGGCTTCAATGGGTGTCCCGCCCCAGCTG[G>A]AGGCGATCAGCCCGATGGGATACTGCAGAGTGTCATAAAGGTGACGTCCAAAGAGCCAGC-3'
Protein context (NP_733746.1, residues 206-226): TLQYPIGLIA[Ser216Phe]SWGGTPIEAW

ClinVar aggregate classification (germline): Uncertain significance. Review status: criteria provided, multiple submitters, no conflicts (2 of 4 stars). 2 submissions from 2 submitters: Uncertain significance (2). Last evaluated 2025-12-27.

Allele frequency attached by ClinVar (database versions not stated): gnomAD 0.00003; ExAC 0.00004; TOPMed 0.00005; gnomAD exomes 0.00008.
gnomAD v4.1: 120 of 1,614,044 alleles (0.0074%); highest among the groups gnomAD compares: Admixed American, 0.013%; no homozygotes.

Submissions (2):

Labcorp Genetics (formerly Invitae), Labcorp
Classification: Uncertain significance. Last evaluated: 2025-12-27. Review status: criteria provided, single submitter. Criteria: Invitae Variant Classification Sherloc (09022015). Collection method: clinical testing. Allele origin: germline.
Comment: This sequence change replaces serine, which is neutral and polar, with phenylalanine, which is neutral and non-polar, at codon 216 of the SIAE protein (p.Ser216Phe). This variant is present in population databases (rs751105523, gnomAD 0.02%). This variant has not been reported in the literature in individuals affected with SIAE-related conditions. ClinVar contains an entry for this variant (Variation ID: 2414414). An algorithm developed to predict the effect of missense changes on protein structure and function (PolyPhen-2) suggests that this variant is likely to be disruptive. In summary, the available evidence is currently insufficient to determine the role of this variant in disease. Therefore, it has been classified as a Variant of Uncertain Significance.

Ambry Genetics
Classification: Uncertain significance. Last evaluated: 2024-03-01. Review status: criteria provided, single submitter. Criteria: Ambry Variant Classification Scheme 2023. Collection method: clinical testing. Allele origin: germline.